The following is an entry in ClinVar:

NM_139027.6(ADAMTS13):c.2952C>T (p.Asp984=)

Gene: ADAMTS13 (ADAM metallopeptidase with thrombospondin type 1 motif 13; plus strand). Cytogenetic location: 9q34.2.
Variant type: single nucleotide variant.
Coding change: c.2952C>T on transcript NM_139027.6 (MANE Select); coding-DNA position 2952, C replaced by T.
Protein change: p.Asp984=; no amino-acid change (aspartic acid 984 retained).
Molecular consequence: synonymous variant. On other transcripts: non-coding transcript variant (1).
Genome position (GRCh38, 1-based): chr9:133,449,873, C>T. VCF-style: chr9-133449873-C-T. GRCh37 (hg19) VCF-style: chr9-136314994-C-T.
Other names: c.2952C>T, p.Asp984= (NM_139025.5); c.2859C>T, p.Asp953= (NM_139026.6).
Identifiers: ClinVar variation 1916540 (VCV001916540.29), dbSNP rs1244426963, ClinGen allele CA860737923.

ClinVar aggregate classification (germline): Likely benign. Review status: criteria provided, multiple submitters, no conflicts (2 of 4 stars). 2 submissions from 2 submitters: Likely benign (2). Last evaluated 2022-11-15.

Allele frequency attached by ClinVar (database versions not stated): gnomAD exomes 0.00002.
gnomAD v4.1: 33 of 1,613,884 alleles (0.002%); highest among the groups gnomAD compares: Admixed American, 0.0033%; no homozygotes.

Submissions (2):

Labcorp Genetics (formerly Invitae), Labcorp
Classification: Likely benign. Last evaluated: 2022-11-15. Review status: criteria provided, single submitter. Criteria: Invitae Variant Classification Sherloc (09022015). Collection method: clinical testing. Allele origin: germline.

CeGaT Center for Human Genetics Tuebingen
Classification: Likely benign. Last evaluated: 2022-07-01. Review status: criteria provided, single submitter. Criteria: CeGaT Center For Human Genetics Tuebingen Variant Classification Criteria Version 2. Collection method: clinical testing. Allele origin: germline. Affected: yes. Observed: 1 variant allele.
Comment: ADAMTS13: BP4, BP7